The following is an entry in ClinVar:

NM_000548.5(TSC2):c.4870C>T (p.Leu1624=)

Gene: TSC2 (TSC complex subunit 2; plus strand). Cytogenetic location: 16p13.3.
Variant type: single nucleotide variant.
Coding change: c.4870C>T on transcript NM_000548.5 (MANE Select); coding-DNA position 4870, C replaced by T.
Protein change: p.Leu1624=; no amino-acid change (leucine 1624 retained).
Molecular consequence: synonymous variant.
Genome position (GRCh38, 1-based): chr16:2,086,752, C>T. VCF-style: chr16-2086752-C-T. GRCh37 (hg19) VCF-style: chr16-2136753-C-T.
Other names: c.4669C>T, p.Leu1557= (NM_001077183.3); c.4801C>T, p.Leu1601= (NM_001114382.3); c.4561C>T, p.Leu1521= (NM_001318827.2); c.4525C>T, p.Leu1509= (NM_001318829.2); c.4138C>T, p.Leu1380= (NM_001318831.2); c.4702C>T, p.Leu1568= (NM_001318832.2); c.4672C>T, p.Leu1558= (NM_001363528.2); c.4738C>T, p.Leu1580= (NM_001370404.1); and 1 more.
Identifiers: ClinVar variation 186842 (VCV000186842.17), dbSNP rs786203263, ClinGen allele CA021165.

ClinVar aggregate classification (germline): Benign/Likely benign. Review status: criteria provided, multiple submitters, no conflicts (2 of 4 stars). 4 submissions from 4 submitters: Benign (2); Likely benign (2). Last evaluated 2025-07-14.

Conditions:
Hereditary cancer-predisposing syndrome. Also called: Hereditary Cancer Syndrome; Neoplastic Syndromes, Hereditary; Tumor predisposition; Hereditary neoplastic syndrome. Identifiers: Orphanet 140162, MedGen C0027672, MeSH D009386, MONDO:0015356.
Tuberous sclerosis 2 (TSC2). Identifiers: Orphanet 805, MedGen C1860707, MONDO:0013199, OMIM 613254.

Allele frequency attached by ClinVar (database versions not stated): gnomAD exomes below 0.00001.

Submissions (4):

Labcorp Genetics (formerly Invitae), Labcorp
Classification: Likely benign for Tuberous sclerosis 2. Last evaluated: 2025-07-14. Review status: criteria provided, single submitter. Criteria: Invitae Variant Classification Sherloc (09022015). Collection method: clinical testing. Allele origin: germline.

Myriad Genetics, Inc.
Classification: Benign for Tuberous sclerosis 2. Last evaluated: 2025-06-05. Review status: criteria provided, single submitter. Criteria: Myriad Autosomal Dominant, Autosomal Recessive and X-Linked Classification Criteria (2023). Collection method: clinical testing. Allele origin: unknown.
Comment: This variant is considered benign. This variant is a silent/synonymous amino acid change and it is not expected to impact splicing.

Genome-Nilou Lab
Classification: Benign for Tuberous sclerosis 2. Last evaluated: 2021-11-07. Review status: criteria provided, single submitter. Criteria: ACMG Guidelines, 2015. Collection method: clinical testing. Allele origin: germline. Affected: no.

Ambry Genetics
Classification: Likely benign for Hereditary cancer-predisposing syndrome. Last evaluated: 2014-10-21. Review status: criteria provided, single submitter. Criteria: Ambry Variant Classification Scheme 2023. Collection method: clinical testing. Allele origin: germline.